The following is an entry in ClinVar:

NM_001370.2(DNAH6):c.11586T>C (p.Val3862=)

Gene: DNAH6 (dynein axonemal heavy chain 6; plus strand). Cytogenetic location: 2p11.2.
Variant type: single nucleotide variant.
Coding change: c.11586T>C on transcript NM_001370.2 (MANE Select); coding-DNA position 11586, T replaced by C.
Protein change: p.Val3862=; no amino-acid change (valine 3862 retained).
Molecular consequence: synonymous variant.
Genome position (GRCh38, 1-based): chr2:84,805,769, T>C. VCF-style: chr2-84805769-T-C. GRCh37 (hg19) VCF-style: chr2-85032893-T-C.
Identifiers: ClinVar variation 4085422 (VCV004085422.8).
Genomic context (GRCh38, chr2:84,805,769, plus strand): 5'-GCCAAGGTCATCTACTGGTGGAGAGGGAAAAAGCAATGACGAAATTGTTCAAGAACTTGT[T>C]GCTTCTGTCCAGACCAGAGTTCCAGGTAATAAATAATTCTAGGAATCTGTATGTAATGGG-3'
Protein context (NP_001361.1, residues 3852-3872): KSNDEIVQEL[Val3862=]ASVQTRVPEK

ClinVar aggregate classification (germline): Likely benign (1 of 4 stars; one submission).

Submission:

CeGaT Center for Human Genetics Tuebingen
Classification: Likely benign. Last evaluated: 2025-07-01. Review status: criteria provided, single submitter. Criteria: CeGaT Center For Human Genetics Tuebingen Variant Classification Criteria Version 2. Collection method: clinical testing. Allele origin: germline. Affected: yes. Observed: 1 variant allele.
Comment: DNAH6: PM2:Supporting, BP4, BP7